The following is an entry in ClinVar:

ClinVar aggregate classification (germline): Uncertain significance. Review status: criteria provided, single submitter (1 of 4 stars). 2 submissions from 1 submitter: Uncertain significance (2). Last evaluated 2022-10-17.

Conditions:
Deficiency of acetyl-CoA acetyltransferase. Also called: Beta-ketothiolase deficiency; 3-KETOTHIOLASE DEFICIENCY; 3-OXOTHIOLASE DEFICIENCY; MITOCHONDRIAL ACETOACETYL-CoA THIOLASE DEFICIENCY. Identifiers: Orphanet 134, MedGen C1536500, MONDO:0008760, OMIM 203750. Disease mechanism: loss of function.
Ataxia-telangiectasia syndrome (AT). Also called: Cerebello-oculocutaneous telangiectasia; Immunodeficiency with ataxia telangiectasia; AT, COMPLEMENTATION GROUP C; Ataxia-telangiectasia, complementation group E; LOUIS-BAR SYNDROME; ATAXIA-TELANGIECTASIA, COMPLEMENTATION GROUP A. Identifiers: Orphanet 100, MedGen C0004135, MONDO:0008840, OMIM 208900.

Submissions (2):

Labcorp Genetics (formerly Invitae), Labcorp
Classification: Uncertain significance for Deficiency of acetyl-CoA acetyltransferase. Last evaluated: 2022-10-17. Review status: criteria provided, single submitter. Criteria: Invitae Variant Classification Sherloc (09022015). Collection method: clinical testing. Allele origin: germline.
Comment: A copy number gain of the genomic region encompassing the full coding sequence of the ACAT1 gene has been identified. The boundaries of this event are unknown as they extend beyond the assayed region for this gene and therefore may encompass additional genes. As the precise location of this event is unknown, it may be in tandem or it may be located elsewhere in the genome. This variant has not been reported in the literature in individuals affected with ACAT1-related conditions. Experimental studies and prediction algorithms are not available or were not evaluated, and the functional significance of this variant is currently unknown. In summary, the available evidence is currently insufficient to determine the role of this variant in disease. Therefore, it has been classified as a Variant of Uncertain Significance.

Labcorp Genetics (formerly Invitae), Labcorp
Classification: Uncertain significance for Ataxia-telangiectasia syndrome. Last evaluated: 2021-11-26. Review status: criteria provided, single submitter. Criteria: Invitae Variant Classification Sherloc (09022015). Collection method: clinical testing. Allele origin: germline.
Comment: A copy number gain of the genomic region encompassing the full coding sequence of the ATM gene has been identified. The boundaries of this event are unknown as they extend beyond the assayed region for this gene and therefore may encompass additional genes. As the precise location of this event is unknown, it may be in tandem or it may be located elsewhere in the genome. This variant has not been reported in the literature in individuals affected with ATM-related conditions. In summary, the available evidence is currently insufficient to determine the role of this variant in disease. Therefore, it has been classified as a Variant of Uncertain Significance.

NC_000011.9:g.(?_107992334)_(108464263_?)dup

Genes: ACAT1 (acetyl-CoA acetyltransferase 1; plus strand), ATM (ATM serine/threonine kinase; plus strand), C11orf65 (chromosome 11 open reading frame 65; minus strand), EXPH5 (exophilin 5; minus strand), NPAT (nuclear protein, coactivator of histone transcription; minus strand) and 1 more. Cytogenetic location: 11q22.3.
Variant type: Duplication.
Identifiers: ClinVar variation 1371903 (VCV001371903.4).